The following is an entry in ClinVar:

ClinVar aggregate classification (germline): Uncertain significance (1 of 4 stars; one submission).

Submission:

GeneDx
Classification: Uncertain significance. Last evaluated: 2019-12-13. Review status: criteria provided, single submitter. Criteria: GeneDx Variant Classification Process June 2021. Collection method: clinical testing. Allele origin: germline. Affected: yes.
Comment: Not observed in large population cohorts (Lek et al., 2016); In silico analysis, which includes protein predictors and evolutionary conservation, supports a deleterious effect; Has not been previously published as pathogenic or benign to our knowledge

NM_001904.4(CTNNB1):c.1423C>T (p.His475Tyr)

Genes: CTNNB1 (catenin beta 1; plus strand), LOC126806659 (BRD4-independent group 4 enhancer GRCh37_chr3:41274918-41276117; plus strand). Cytogenetic location: 3p22.1.
Variant type: single nucleotide variant.
Coding change: c.1423C>T on transcript NM_001904.4 (MANE Select); coding-DNA position 1423, C replaced by T.
Protein change: p.His475Tyr; replaces histidine 475 with tyrosine.
Molecular consequence: missense variant.
Genome position (GRCh38, 1-based): chr3:41,233,766, C>T. VCF-style: chr3-41233766-C-T. GRCh37 (hg19) VCF-style: chr3-41275257-C-T.
Other names: c.1423C>T, p.His475Tyr (NM_001098209.2, NM_001098210.2); c.1402C>T, p.His468Tyr (NM_001330729.2); short protein forms H468Y, H475Y.
Identifiers: ClinVar variation 1320994 (VCV001320994.2), dbSNP rs2125640266, ClinGen allele CA352233481.